The following is an entry in ClinVar:

NM_206933.4(USH2A):c.15081_15082insC (p.Lys5028fs)

Gene: USH2A (usherin; minus strand). Cytogenetic location: 1q41.
Variant type: Insertion.
Coding change: c.15081_15082insC on transcript NM_206933.4 (MANE Select); coding-DNA positions 15081 to 15082, C inserted.
Protein change: p.Lys5028fs; shifts the reading frame from lysine 5028.
Molecular consequence: frameshift variant.
Genome position: GRCh38 VCF-style: chr1-215634674-T-TG. GRCh37 (hg19) VCF-style: chr1-215808016-T-TG.
Other names: short protein forms K5028fs.
Identifiers: ClinVar variation 3703119 (VCV003703119.2).

ClinVar aggregate classification (germline): Pathogenic (1 of 4 stars; one submission).

Submission:

Labcorp Genetics (formerly Invitae), Labcorp
Classification: Pathogenic. Last evaluated: 2024-05-30. Review status: criteria provided, single submitter. Criteria: Invitae Variant Classification Sherloc (09022015). Collection method: clinical testing. Allele origin: germline.
Comment: This sequence change creates a premature translational stop signal (p.Lys5028Glnfs*150) in the USH2A gene. While this is not anticipated to result in nonsense mediated decay, it is expected to disrupt the last 175 amino acid(s) of the USH2A protein. This variant is not present in population databases (gnomAD no frequency). This variant has not been reported in the literature in individuals affected with USH2A-related conditions. This variant disrupts a region of the USH2A protein in which other variant(s) (p.Ile5166Val) have been determined to be pathogenic (PMID: 26969326, 27460420, 32531858). This suggests that this is a clinically significant region of the protein, and that variants that disrupt it are likely to be disease-causing. For these reasons, this variant has been classified as Pathogenic.

Literature cited by the submitters: PubMed 26969326; PubMed 27460420; PubMed 32531858.